The following is an entry in ClinVar:

NM_001042492.3(NF1):c.6607G>T (p.Glu2203Ter)

Gene: NF1 (neurofibromin 1; plus strand). Cytogenetic location: 17q11.2.
Variant type: single nucleotide variant.
Coding change: c.6607G>T on transcript NM_001042492.3 (MANE Select); coding-DNA position 6607, G replaced by T.
Protein change: p.Glu2203Ter; replaces glutamic acid 2203 with a stop codon.
Molecular consequence: nonsense.
Genome position (GRCh38, 1-based): chr17:31,337,547, G>T. VCF-style: chr17-31337547-G-T. GRCh37 (hg19) VCF-style: chr17-29664565-G-T.
Other names: c.6544G>T, p.Glu2182Ter (NM_000267.4); short protein forms E2182*, E2203*.
Identifiers: ClinVar variation 1801548 (VCV001801548.4), dbSNP rs2151556540, ClinGen allele CA399013398.

ClinVar aggregate classification (germline): Pathogenic. Review status: criteria provided, single submitter (1 of 4 stars). 2 submissions from 2 submitters: Pathogenic (1). 1 of the submissions does not count toward it. Last evaluated 2023-02-10.

Conditions:
Neurofibromatosis, type 1 (NF1). Also called: Peripheral type neurofibromatosis; Neurofibromatosis, type I; VON RECKLINGHAUSEN DISEASE; NEUROFIBROMATOSIS, TYPE I, SOMATIC. Identifiers: Orphanet 636, MedGen C0027831, MONDO:0018975, OMIM 162200. Disease mechanism: loss of function.
Gastric cancer. Also called: Malignant tumor of stomach; Stomach cancer. Identifiers: MedGen C0024623, MeSH D013274, MONDO:0001056, OMIM 613659, HP:0012126.

Submissions (2):

Labcorp Genetics (formerly Invitae), Labcorp
Classification: Pathogenic for Neurofibromatosis, type 1. Last evaluated: 2023-02-10. Review status: criteria provided, single submitter. Criteria: Invitae Variant Classification Sherloc (09022015). Collection method: clinical testing. Allele origin: germline.
Comment: This sequence change creates a premature translational stop signal (p.Glu2182*) in the NF1 gene. It is expected to result in an absent or disrupted protein product. Loss-of-function variants in NF1 are known to be pathogenic (PMID: 10712197, 23913538). This variant is not present in population databases (gnomAD no frequency). This variant has not been reported in the literature in individuals affected with NF1-related conditions. For these reasons, this variant has been classified as Pathogenic.

Laboratory for Genotyping Development, RIKEN
Classification: Pathogenic for Gastric cancer. Last evaluated: 2021-07-01. Review status: no assertion criteria provided. Collection method: research. Allele origin: germline. Not counted in ClinVar's aggregate classification.

Literature cited by the submitters: PubMed 10712197 (cited by Labcorp Genetics (formerly Invitae), Labcorp); PubMed 23913538 (cited by Labcorp Genetics (formerly Invitae), Labcorp); PubMed 36988593 (cited by Laboratory for Genotyping Development, RIKEN).